The following is an entry in ClinVar:

ClinVar aggregate classification (germline): Likely pathogenic (1 of 4 stars; one submission).

Conditions:
Telangiectasia, hereditary hemorrhagic, type 2 (HHT2). Also called: ACVRL1-Related Hereditary Hemorrhagic Telangiectasia; Telangiectasia, hereditary hemorrhagic, type II. Identifiers: Orphanet 774, MedGen C1838163, MONDO:0010880, OMIM 600376. Disease mechanism: loss of function.

Submission:

Labcorp Genetics (formerly Invitae), Labcorp
Classification: Likely pathogenic for Telangiectasia, hereditary hemorrhagic, type 2. Last evaluated: 2019-10-03. Review status: criteria provided, single submitter. Criteria: Invitae Variant Classification Sherloc (09022015). Collection method: clinical testing. Allele origin: germline.
Comment: In summary, the currently available evidence indicates that the variant is pathogenic, but additional data are needed to prove that conclusively. Therefore, this variant has been classified as Likely Pathogenic. This variant disrupts the p.His314 amino acid residue in ACVRL1. Other variant(s) that disrupt this residue have been determined to be pathogenic (PMID: 15024723, 15880681, 16690726, 26176610). This suggests that this residue is clinically significant, and that variants that disrupt this residue are likely to be disease-causing. Algorithms developed to predict the effect of missense changes on protein structure and function (SIFT, PolyPhen-2, Align-GVGD) all suggest that this variant is likely to be disruptive, but these predictions have not been confirmed by published functional studies and their clinical significance is uncertain. This variant is not present in population databases (ExAC no frequency). This sequence change replaces histidine with asparagine at codon 314 of the ACVRL1 protein (p.His314Asn). The histidine residue is highly conserved and there is a small physicochemical difference between histidine and asparagine.

Literature cited by the submitters: PubMed 15024723; PubMed 15880681; PubMed 16690726; PubMed 26176610.

NM_000020.3(ACVRL1):c.940C>A (p.His314Asn)

Gene: ACVRL1 (activin A receptor like type 1; plus strand). Cytogenetic location: 12q13.13.
Variant type: single nucleotide variant.
Coding change: c.940C>A on transcript NM_000020.3 (MANE Select); coding-DNA position 940, C replaced by A.
Protein change: p.His314Asn; replaces histidine 314 with asparagine.
Molecular consequence: missense variant.
Genome position (GRCh38, 1-based): chr12:51,915,392, C>A. VCF-style: chr12-51915392-C-A. GRCh37 (hg19) VCF-style: chr12-52309176-C-A.
Other names: c.940C>A, p.His314Asn (NM_001077401.2); short protein forms H314N.
Identifiers: ClinVar variation 858433 (VCV000858433.9), dbSNP rs1565594311, ClinGen allele CA384901179.
Genomic context (GRCh38, chr12:51,915,392, plus strand): 5'-CTGGAGCCCCATCTGGCTCTGAGGCTAGCTGTGTCCGCGGCATGCGGCCTGGCGCACCTG[C>A]ACGTGGAGATCTTCGGTACACAGGGCAAACCAGCCATTGCCCACCGCGACTTCAAGAGCC-3'
Protein context (NP_000011.2, residues 304-324): VSAACGLAHL[His314Asn]VEIFGTQGKP